The following is an entry in ClinVar:

ClinVar aggregate classification (germline): Uncertain significance (1 of 4 stars; one submission).

Conditions:
Atrial fibrillation, familial, 7 (ATFB7). Identifiers: MedGen C2677106, MONDO:0012828, OMIM 612240.

Allele frequency attached by ClinVar (database versions not stated): gnomAD exomes below 0.00001 and 0.00003; TOPMed 0.00001; ExAC 0.00002; gnomAD 0.00003; 1000 Genomes Project 0.00020; 1000 Genomes Project 30x 0.00031.
gnomAD v4.1: 12 of 1,614,088 alleles (0.00074%); highest among the groups gnomAD compares: Admixed American, 0.017%; no homozygotes.

Submission:

Labcorp Genetics (formerly Invitae), Labcorp
Classification: Uncertain significance for Atrial fibrillation, familial, 7. Last evaluated: 2025-07-23. Review status: criteria provided, single submitter. Criteria: Invitae Variant Classification Sherloc (09022015). Collection method: clinical testing. Allele origin: germline.
Comment: This sequence change replaces glycine, which is neutral and non-polar, with serine, which is neutral and polar, at codon 387 of the KCNA5 protein (p.Gly387Ser). This variant is present in population databases (rs200759249, gnomAD 0.02%). This variant has not been reported in the literature in individuals affected with KCNA5-related conditions. ClinVar contains an entry for this variant (Variation ID: 1361976). An algorithm developed to predict the effect of missense changes on protein structure and function outputs the following: PolyPhen-2: "Benign". The serine amino acid residue is found in multiple mammalian species, which suggests that this missense change does not adversely affect protein function. In summary, the available evidence is currently insufficient to determine the role of this variant in disease. Therefore, it has been classified as a Variant of Uncertain Significance.

NM_002234.4(KCNA5):c.1159G>A (p.Gly387Ser)

Gene: KCNA5 (potassium voltage-gated channel subfamily A member 5; plus strand). Cytogenetic location: 12p13.32.
Variant type: single nucleotide variant.
Coding change: c.1159G>A on transcript NM_002234.4 (MANE Select); coding-DNA position 1159, G replaced by A.
Protein change: p.Gly387Ser; replaces glycine 387 with serine.
Molecular consequence: missense variant.
Genome position (GRCh38, 1-based): chr12:5,045,306, G>A. VCF-style: chr12-5045306-G-A. GRCh37 (hg19) VCF-style: chr12-5154472-G-A.
Other names: short protein forms G387S.
Identifiers: ClinVar variation 1361976 (VCV001361976.6), dbSNP rs200759249, ClinGen allele CA6399813.